The following is an entry in ClinVar:

NM_001429.4(EP300):c.4447T>C (p.Tyr1483His)

Gene: EP300 (EP300 lysine acetyltransferase; plus strand). Cytogenetic location: 22q13.2.
Variant type: single nucleotide variant.
Coding change: c.4447T>C on transcript NM_001429.4 (MANE Select); coding-DNA position 4447, T replaced by C.
Protein change: p.Tyr1483His; replaces tyrosine 1483 with histidine.
Molecular consequence: missense variant.
Genome position (GRCh38, 1-based): chr22:41,170,566, T>C. VCF-style: chr22-41170566-T-C. GRCh37 (hg19) VCF-style: chr22-41566570-T-C.
Other names: c.4369T>C, p.Tyr1457His (NM_001362843.2); short protein forms Y1457H, Y1483H.
Identifiers: ClinVar variation 3903069 (VCV003903069.1).
Genomic context (GRCh38, chr22:41,170,566, plus strand): 5'-CTGCAGGAATGGTACAAAAAAATGCTTGACAAGGCTGTATCAGAGCGTATTGTCCATGAC[T>C]ACAAGGTCAGTTGGGACATAGGGGCCAGGTGCTGACAATAGATCTGGAAATGCACTAATG-3'
Protein context (NP_001420.2, residues 1473-1493): KAVSERIVHD[Tyr1483His]KDIFKQATED

ClinVar aggregate classification (germline): Uncertain significance (1 of 4 stars; one submission).

Submission:

GeneDx
Classification: Uncertain significance. Last evaluated: 2024-12-14. Review status: criteria provided, single submitter. Criteria: GeneDx Variant Classification Process June 2021. Collection method: clinical testing. Allele origin: germline. Affected: yes.
Comment: Not observed at significant frequency in large population cohorts (gnomAD); In silico analysis supports that this missense variant has a deleterious effect on protein structure/function; Has not been previously published as pathogenic or benign to our knowledge